The following is an entry in ClinVar:

NM_000090.4(COL3A1):c.1189G>A (p.Glu397Lys)

Gene: COL3A1 (collagen type III alpha 1 chain; plus strand). Cytogenetic location: 2q32.2.
Variant type: single nucleotide variant.
Coding change: c.1189G>A on transcript NM_000090.4 (MANE Select); coding-DNA position 1189, G replaced by A.
Protein change: p.Glu397Lys; replaces glutamic acid 397 with lysine.
Molecular consequence: missense variant.
Genome position (GRCh38, 1-based): chr2:188,994,077, G>A. VCF-style: chr2-188994077-G-A. GRCh37 (hg19) VCF-style: chr2-189858803-G-A.
Other names: short protein forms E397K.
Identifiers: ClinVar variation 1332443 (VCV001332443.10), dbSNP rs187907868, ClinGen allele CA073905.

ClinVar aggregate classification (germline): Uncertain significance. Review status: criteria provided, multiple submitters, no conflicts (2 of 4 stars). 2 submissions from 2 submitters: Uncertain significance (2). Last evaluated 2025-07-11.

Conditions:
Ehlers-Danlos syndrome, type 4 (EDSVASC). Also called: Ehlers-Danlos syndrome vascular type; Ehlers Danlos syndrome, ecchymotic type; Ehlers Danlos syndrome, arterial type; Ehlers Danlos syndrome, Sack-Barabas type; Ehlers-Danlos Syndrome Type IV. Identifiers: Orphanet 286, MedGen C0268338, MONDO:0017314, OMIM 130050.
Familial thoracic aortic aneurysm and aortic dissection (TAAD). Also called: Thoracic aortic aneurysms and dissections. Identifiers: Orphanet 91387, MedGen C4707243, MONDO:0019625.

Allele frequency attached by ClinVar (database versions not stated): gnomAD exomes below 0.00001 and 0.00001; gnomAD 0.00001; ExAC 0.00002; 1000 Genomes Project 30x 0.00016; 1000 Genomes Project 0.00020.
gnomAD v4.1: 4 of 1,614,122 alleles (0.00025%); highest among the groups gnomAD compares: African/African-American, 0.0013%; no homozygotes.

Submissions (2):

Color Diagnostics, LLC DBA Color Health
Classification: Uncertain significance for Familial thoracic aortic aneurysm and aortic dissection. Last evaluated: 2025-07-11. Review status: criteria provided, single submitter. Criteria: ACMG Guidelines, 2015. Collection method: clinical testing. Allele origin: germline.
Comment: This missense variant replaces glutamic acid with lysine at codon 397 of the COL3A1 protein. Computational prediction is inconclusive regarding the impact of this variant on protein structure and function. To our knowledge, functional studies have not been reported for this variant. This variant has not been reported in individuals affected with COL3A1-related disorders in the literature. This variant has been identified in 3/251414 chromosomes in the general population by the Genome Aggregation Database (gnomAD). The available evidence is insufficient to determine the role of this variant in disease conclusively. Therefore, this variant is classified as a Variant of Uncertain Significance.

Labcorp Genetics (formerly Invitae), Labcorp
Classification: Uncertain significance for Ehlers-Danlos syndrome, type 4. Last evaluated: 2024-04-25. Review status: criteria provided, single submitter. Criteria: Invitae Variant Classification Sherloc (09022015). Collection method: clinical testing. Allele origin: germline.
Comment: This sequence change replaces glutamic acid, which is acidic and polar, with lysine, which is basic and polar, at codon 397 of the COL3A1 protein (p.Glu397Lys). This variant is present in population databases (rs187907868, gnomAD 0.007%). This variant has not been reported in the literature in individuals affected with COL3A1-related conditions. ClinVar contains an entry for this variant (Variation ID: 1332443). Advanced modeling of protein sequence and biophysical properties (such as structural, functional, and spatial information, amino acid conservation, physicochemical variation, residue mobility, and thermodynamic stability) performed at Invitae indicates that this missense variant is not expected to disrupt COL3A1 protein function with a negative predictive value of 95%. In summary, the available evidence is currently insufficient to determine the role of this variant in disease. Therefore, it has been classified as a Variant of Uncertain Significance.